The following is an entry in ClinVar:

NM_000390.4(CHM):c.940+1G>C

Gene: CHM (CHM Rab escort protein; minus strand). Cytogenetic location: Xq21.2.
Variant type: single nucleotide variant.
Coding change: c.940+1G>C on transcript NM_000390.4 (MANE Select); the canonical splice donor site of the intron after coding-DNA position 940, G replaced by C.
Molecular consequence: splice donor variant.
Genome position (GRCh38, 1-based): chrX:85,957,854, C>G on the plus strand (G>C on the coding strand, the complement: CHM is on the minus strand). VCF-style: chrX-85957854-C-G. GRCh37 (hg19) VCF-style: chrX-85212859-C-G.
Other names: c.496+1G>C (NM_001362519.1, NM_001362517.1, NM_001320959.1 and 1 more transcripts).
Identifiers: ClinVar variation 1076025 (VCV001076025.9), dbSNP rs1930082852, ClinGen allele CA413785638.

ClinVar aggregate classification (germline): Pathogenic (1 of 4 stars; one submission).

Submission:

Labcorp Genetics (formerly Invitae), Labcorp
Classification: Pathogenic. Last evaluated: 2022-07-12. Review status: criteria provided, single submitter. Criteria: Invitae Variant Classification Sherloc (09022015). Collection method: clinical testing. Allele origin: germline.
Comment: For these reasons, this variant has been classified as Pathogenic. Algorithms developed to predict the effect of sequence changes on RNA splicing suggest that this variant may disrupt the consensus splice site. ClinVar contains an entry for this variant (Variation ID: 1076025). Disruption of this splice site has been observed in individuals with choroideremia (PMID: 12203991, 21905166, 25912515). This variant is not present in population databases (gnomAD no frequency). This sequence change affects a donor splice site in intron 7 of the CHM gene. It is expected to disrupt RNA splicing. Variants that disrupt the donor or acceptor splice site typically lead to a loss of protein function (PMID: 16199547), and loss-of-function variants in CHM are known to be pathogenic (PMID: 9067750, 23811034).

Literature cited by the submitters: PubMed 12203991; PubMed 21905166; PubMed 25912515; PubMed 16199547; PubMed 9067750; PubMed 23811034.